The following is an entry in ClinVar:

ClinVar aggregate classification (germline): Pathogenic (1 of 4 stars; one submission).

Conditions:
Familial cancer of breast. Also called: BREAST CANCER, FAMILIAL; hereditary breast carcinoma; Hereditary breast cancer. Identifiers: Orphanet 227535, MedGen C0346153, MONDO:0016419, OMIM 114480. Disease mechanism: loss of function.

Submission:

Myriad Genetics, Inc.
Classification: Pathogenic for Familial cancer of breast. Last evaluated: 2023-06-02. Review status: criteria provided, single submitter. Criteria: Myriad Autosomal Dominant, Autosomal Recessive and X-Linked Classification Criteria (2023). Collection method: clinical testing. Allele origin: unknown.
Comment: This variant is considered pathogenic. This variant creates a termination codon and is predicted to result in premature protein truncation.

NM_032043.3(BRIP1):c.1504G>T (p.Glu502Ter)

Gene: BRIP1 (BRCA1 interacting DNA helicase 1; minus strand). Cytogenetic location: 17q23.2.
Variant type: single nucleotide variant.
Coding change: c.1504G>T on transcript NM_032043.3 (MANE Select); coding-DNA position 1504, G replaced by T.
Protein change: p.Glu502Ter; replaces glutamic acid 502 with a stop codon.
Molecular consequence: nonsense.
Genome position (GRCh38, 1-based): chr17:61,784,394, C>A on the plus strand (G>T on the coding strand, the complement: BRIP1 is on the minus strand). VCF-style: chr17-61784394-C-A. GRCh37 (hg19) VCF-style: chr17-59861755-C-A.
Other names: short protein forms E502*.
Identifiers: ClinVar variation 2584186 (VCV002584186.2), dbSNP rs2077671871, ClinGen allele CA400481400.